The following is an entry in ClinVar:

NM_001040108.2(MLH3):c.2685T>C (p.Arg895=)

Gene: MLH3 (mutL homolog 3; minus strand). Cytogenetic location: 14q24.3.
Variant type: single nucleotide variant.
Coding change: c.2685T>C on transcript NM_001040108.2 (MANE Select); coding-DNA position 2685, T replaced by C.
Protein change: p.Arg895=; no amino-acid change (arginine 895 retained).
Molecular consequence: synonymous variant.
Genome position (GRCh38, 1-based): chr14:75,046,971, A>G on the plus strand (T>C on the coding strand, the complement: MLH3 is on the minus strand). VCF-style: chr14-75046971-A-G. GRCh37 (hg19) VCF-style: chr14-75513674-A-G.
Other names: c.2685T>C, p.Arg895= (NM_014381.3).
Identifiers: ClinVar variation 5042140 (VCV005042140.1).

ClinVar aggregate classification (germline): Benign (1 of 4 stars; one submission).

Conditions:
Colorectal cancer, hereditary nonpolyposis, type 7. Identifiers: Orphanet 144, MedGen C1858380, MONDO:0013725, OMIM 614385.

Submission:

Myriad Genetics, Inc.
Classification: Benign for Colorectal cancer, hereditary nonpolyposis, type 7. Last evaluated: 2026-09-18. Review status: criteria provided, single submitter. Criteria: Myriad Autosomal Dominant, Autosomal Recessive and X-Linked Classification Criteria (2023). Collection method: clinical testing. Allele origin: unknown.
Comment: This variant is considered benign. This variant is a silent/synonymous amino acid change and it is not expected to impact splicing.